The following is an entry in ClinVar:

ClinVar aggregate classification (germline): Uncertain significance. Review status: criteria provided, multiple submitters, no conflicts (2 of 4 stars). 2 submissions from 2 submitters: Uncertain significance (2). Last evaluated 2022-05-12.

Conditions:
Glycogen storage disease, type II (IOPD). Also called: Pompe Disease; POMPE DISEASE, INFANTILE-ONSET; GLYCOGEN STORAGE DISEASE II, INFANTILE-ONSET; ACID ALPHA-GLUCOSIDASE DEFICIENCY, INFANTILE-ONSET; GAA DEFICIENCY, INFANTILE-ONSET; ACID MALTASE DEFICIENCY, INFANTILE-ONSET. Identifiers: Orphanet 365, MedGen C0017921, MONDO:0009290, OMIM 232300.

Submissions (2):

Labcorp Genetics (formerly Invitae), Labcorp
Classification: Uncertain significance for Glycogen storage disease, type II. Last evaluated: 2022-05-12. Review status: criteria provided, single submitter. Criteria: Invitae Variant Classification Sherloc (09022015). Collection method: clinical testing. Allele origin: germline.
Comment: This sequence change replaces methionine, which is neutral and non-polar, with isoleucine, which is neutral and non-polar, at codon 841 of the GAA protein (p.Met841Ile). This variant is not present in population databases (gnomAD no frequency). This variant has not been reported in the literature in individuals affected with GAA-related conditions. ClinVar contains an entry for this variant (Variation ID: 497591). Advanced modeling of protein sequence and biophysical properties (such as structural, functional, and spatial information, amino acid conservation, physicochemical variation, residue mobility, and thermodynamic stability) performed at Invitae indicates that this missense variant is not expected to disrupt GAA protein function. In summary, the available evidence is currently insufficient to determine the role of this variant in disease. Therefore, it has been classified as a Variant of Uncertain Significance.

Eurofins Ntd Llc (ga)
Classification: Uncertain significance. Last evaluated: 2016-10-05. Review status: criteria provided, single submitter. Criteria: EGL Classification Definitions 2015. Collection method: clinical testing. Allele origin: germline. Observed: 1 variant allele, 1 heterozygote.

NM_000152.5(GAA):c.2523G>C (p.Met841Ile)

Gene: GAA (alpha glucosidase; plus strand). Cytogenetic location: 17q25.3.
Variant type: single nucleotide variant.
Coding change: c.2523G>C on transcript NM_000152.5 (MANE Select); coding-DNA position 2523, G replaced by C.
Protein change: p.Met841Ile; replaces methionine 841 with isoleucine.
Molecular consequence: missense variant.
Genome position (GRCh38, 1-based): chr17:80,118,234, G>C. VCF-style: chr17-80118234-G-C. GRCh37 (hg19) VCF-style: chr17-78092033-G-C.
Other names: c.2523G>C, p.Met841Ile (NM_001079803.3, NM_001079804.3); short protein forms M841I.
Identifiers: ClinVar variation 497591 (VCV000497591.7), dbSNP rs1555603087, ClinGen allele CA401326065.